The following is an entry in ClinVar:

NM_005476.7(GNE):c.1678A>C (p.Ser560Arg)

Gene: GNE (glucosamine (UDP-N-acetyl)-2-epimerase/N-acetylmannosamine kinase; minus strand). Cytogenetic location: 9p13.3.
Variant type: single nucleotide variant.
Coding change: c.1678A>C on transcript NM_005476.7 (MANE Select); coding-DNA position 1678, A replaced by C.
Protein change: p.Ser560Arg; replaces serine 560 with arginine.
Molecular consequence: missense variant.
Genome position (GRCh38, 1-based): chr9:36,219,976, T>G on the plus strand (A>C on the coding strand, the complement: GNE is on the minus strand). VCF-style: chr9-36219976-T-G. GRCh37 (hg19) VCF-style: chr9-36219973-T-G.
Other names: c.1771A>C, p.Ser591Arg (NM_001128227.3); c.1456A>C, p.Ser486Arg (NM_001190383.3); c.1348A>C, p.Ser450Arg (NM_001190384.3); c.1501A>C, p.Ser501Arg (NM_001190388.2, NM_001374798.1); c.1525A>C, p.Ser509Arg (NM_001374797.1); short protein forms S486R, S591R, S501R, S560R, S450R, S509R.
Identifiers: ClinVar variation 2923716 (VCV002923716.3), dbSNP rs2489604878, ClinGen allele CA373425785.

ClinVar aggregate classification (germline): Uncertain significance (1 of 4 stars; one submission).

Conditions:
GNE myopathy (NM). Also called: NONAKA DISTAL MYOPATHY; MYOPATHY, DISTAL, WITH OR WITHOUT RIMMED VACUOLES; INCLUSION BODY MYOPATHY, HEREDITARY, AUTOSOMAL RECESSIVE; INCLUSION BODY MYOPATHY 2, AUTOSOMAL RECESSIVE; IBM 2; Inclusion body myopathy autosomal recessive. Identifiers: Orphanet 602, MedGen C1853926, MONDO:0011603, OMIM 605820.
Sialuria. Also called: SIALURIA, FRENCH TYPE; Sialic Acid Storage Disease. Identifiers: Orphanet 3166, MedGen C0342853, MONDO:0010028, OMIM 269921.

Submission:

Labcorp Genetics (formerly Invitae), Labcorp
Classification: Uncertain significance for Sialuria; GNE myopathy. Last evaluated: 2023-10-27. Review status: criteria provided, single submitter. Criteria: Invitae Variant Classification Sherloc (09022015). Collection method: clinical testing. Allele origin: germline.
Comment: This sequence change replaces serine, which is neutral and polar, with arginine, which is basic and polar, at codon 591 of the GNE protein (p.Ser591Arg). This variant is not present in population databases (gnomAD no frequency). This variant has not been reported in the literature in individuals affected with GNE-related conditions. Advanced modeling of protein sequence and biophysical properties (such as structural, functional, and spatial information, amino acid conservation, physicochemical variation, residue mobility, and thermodynamic stability) has been performed at Invitae for this missense variant, however the output from this modeling did not meet the statistical confidence thresholds required to predict the impact of this variant on GNE protein function. In summary, the available evidence is currently insufficient to determine the role of this variant in disease. Therefore, it has been classified as a Variant of Uncertain Significance.